The following is an entry in ClinVar:

NM_152594.3(SPRED1):c.1260C>T (p.Tyr420=)

Gene: SPRED1 (sprouty related EVH1 domain containing 1; plus strand). Cytogenetic location: 15q14.
Variant type: single nucleotide variant.
Coding change: c.1260C>T on transcript NM_152594.3 (MANE Select); coding-DNA position 1260, C replaced by T.
Protein change: p.Tyr420=; no amino-acid change (tyrosine 420 retained).
Molecular consequence: synonymous variant.
Genome position (GRCh38, 1-based): chr15:38,351,589, C>T. VCF-style: chr15-38351589-C-T. GRCh37 (hg19) VCF-style: chr15-38643790-C-T.
Identifiers: ClinVar variation 1138594 (VCV001138594.17), dbSNP rs202087411, ClinGen allele CA7470254.

ClinVar aggregate classification (germline): Likely benign. Review status: criteria provided, multiple submitters, no conflicts (2 of 4 stars). 4 submissions from 4 submitters: Likely benign (4). Last evaluated 2025-12-01.

Conditions:
Legius syndrome. Identifiers: Orphanet 137605, MedGen C1969623, MONDO:0012669, OMIM 611431. Disease mechanism: loss of function.
Cardiovascular phenotype. Identifiers: MedGen CN230736.

Allele frequency attached by ClinVar (database versions not stated): gnomAD exomes 0.00001 and 0.00002; ExAC 0.00003; gnomAD 0.00004; TOPMed 0.00004; ESP Exome Variant Server 0.00008; 1000 Genomes Project 30x 0.00016; 1000 Genomes Project 0.00020.
gnomAD v4.1: 25 of 1,614,060 alleles (0.0015%); highest among the groups gnomAD compares: African/African-American, 0.0067%; no homozygotes.

Submissions (4):

CeGaT Center for Human Genetics Tuebingen
Classification: Likely benign. Last evaluated: 2025-12-01. Review status: criteria provided, single submitter. Criteria: CeGaT Center For Human Genetics Tuebingen Variant Classification Criteria Version 2. Collection method: clinical testing. Allele origin: germline. Affected: yes. Observed: 1 variant allele.
Comment: SPRED1: BP4, BP7

Labcorp Genetics (formerly Invitae), Labcorp
Classification: Likely benign for Legius syndrome. Last evaluated: 2025-08-14. Review status: criteria provided, single submitter. Criteria: Invitae Variant Classification Sherloc (09022015). Collection method: clinical testing. Allele origin: germline.

Women's Health and Genetics/Laboratory Corporation of America, LabCorp
Classification: Likely benign. Last evaluated: 2024-12-06. Review status: criteria provided, single submitter. Criteria: LabCorp Variant Classification Summary - May 2015. Collection method: clinical testing. Allele origin: germline.

Ambry Genetics
Classification: Likely benign for Cardiovascular phenotype. Last evaluated: 2020-06-19. Review status: criteria provided, single submitter. Criteria: Ambry Variant Classification Scheme 2023. Collection method: clinical testing. Allele origin: germline.